The following is an entry in ClinVar:

NM_022458.4(LMBR1):c.1068-1G>A

Gene: LMBR1 (limb development membrane protein 1; minus strand). Cytogenetic location: 7q36.3.
Variant type: single nucleotide variant.
Coding change: c.1068-1G>A on transcript NM_022458.4 (MANE Select); the canonical splice acceptor site of the intron before coding-DNA position 1068, G replaced by A.
Molecular consequence: splice acceptor variant.
Genome position (GRCh38, 1-based): chr7:156,725,526, C>T on the plus strand (G>A on the coding strand, the complement: LMBR1 is on the minus strand). VCF-style: chr7-156725526-C-T. GRCh37 (hg19) VCF-style: chr7-156518220-C-T.
Other names: c.1005-1G>A (NM_001363412.2); c.789-1G>A (NM_001350954.2); c.1068-1G>A (NM_001363410.2); c.1191-1G>A (NM_001363409.2, NM_001350953.2); c.612-1G>A (NM_001350958.2, NM_001350956.2, NM_001350955.2 and 1 more transcripts); c.699-1G>A (NM_001350957.2, NM_001363411.2).
Identifiers: ClinVar variation 2051009 (VCV002051009.4), dbSNP rs2537117511, ClinGen allele CA370145050.

ClinVar aggregate classification (germline): Uncertain significance (1 of 4 stars; one submission).

Submission:

Labcorp Genetics (formerly Invitae), Labcorp
Classification: Uncertain significance. Last evaluated: 2024-02-29. Review status: criteria provided, single submitter. Criteria: Invitae Variant Classification Sherloc (09022015). Collection method: clinical testing. Allele origin: germline.
Comment: This sequence change affects an acceptor splice site in intron 13 of the LMBR1 gene. It is expected to disrupt RNA splicing. Variants that disrupt the donor or acceptor splice site typically lead to a loss of protein function (PMID: 16199547), however the current clinical and genetic evidence is not sufficient to establish whether loss-of-function variants in LMBR1 cause disease. This variant is not present in population databases (gnomAD no frequency). This variant has not been reported in the literature in individuals affected with LMBR1-related conditions. ClinVar contains an entry for this variant (Variation ID: 2051009). Algorithms developed to predict the effect of sequence changes on RNA splicing suggest that this variant may disrupt the consensus splice site. In summary, the available evidence is currently insufficient to determine the role of this variant in disease. Therefore, it has been classified as a Variant of Uncertain Significance.

Literature cited by the submitters: PubMed 16199547.